The following is an entry in ClinVar:

ClinVar aggregate classification (germline): Uncertain significance (1 of 4 stars; one submission).

Submission:

GeneDx
Classification: Uncertain significance. Last evaluated: 2023-07-18. Review status: criteria provided, single submitter. Criteria: GeneDx Variant Classification Process June 2021. Collection method: clinical testing. Allele origin: germline. Affected: yes.
Comment: Not observed at significant frequency in large population cohorts (gnomAD); In silico analysis supports that this missense variant does not alter protein structure/function; Has not been previously published as pathogenic or benign to our knowledge

NM_031263.4(HNRNPK):c.847A>G (p.Met283Val)

Gene: HNRNPK (heterogeneous nuclear ribonucleoprotein K; minus strand). Cytogenetic location: 9q21.32.
Variant type: single nucleotide variant.
Coding change: c.847A>G on transcript NM_031263.4 (MANE Select); coding-DNA position 847, A replaced by G.
Protein change: p.Met283Val; replaces methionine 283 with valine.
Molecular consequence: missense variant.
Genome position (GRCh38, 1-based): chr9:83,971,988, T>C on the plus strand (A>G on the coding strand, the complement: HNRNPK is on the minus strand). VCF-style: chr9-83971988-T-C. GRCh37 (hg19) VCF-style: chr9-86586903-T-C.
Other names: c.775A>G, p.Met259Val (NM_001318186.2, NM_001318187.2); c.847A>G, p.Met283Val (NM_001318188.2, NM_002140.5, NM_031262.4); short protein forms M259V, M283V.
Identifiers: ClinVar variation 3361270 (VCV003361270.1).